The following is an entry in ClinVar:

NM_006914.4(RORB):c.206A>G (p.Lys69Arg)

Gene: RORB (RAR related orphan receptor B; plus strand). Cytogenetic location: 9q21.13.
Variant type: single nucleotide variant.
Coding change: c.206A>G on transcript NM_006914.4 (MANE Select); coding-DNA position 206, A replaced by G.
Protein change: p.Lys69Arg; replaces lysine 69 with arginine.
Molecular consequence: missense variant.
Genome position (GRCh38, 1-based): chr9:74,634,743, A>G. VCF-style: chr9-74634743-A-G. GRCh37 (hg19) VCF-style: chr9-77249659-A-G.
Other names: c.239A>G, p.Lys80Arg (NM_001365023.1); short protein forms K80R, K69R.
Identifiers: ClinVar variation 3650182 (VCV003650182.2).

ClinVar aggregate classification (germline): Uncertain significance (1 of 4 stars; one submission).

Submission:

Labcorp Genetics (formerly Invitae), Labcorp
Classification: Uncertain significance. Last evaluated: 2024-04-17. Review status: criteria provided, single submitter. Criteria: Invitae Variant Classification Sherloc (09022015). Collection method: clinical testing. Allele origin: germline.
Comment: This sequence change replaces lysine, which is basic and polar, with arginine, which is basic and polar, at codon 69 of the RORB protein (p.Lys69Arg). This variant is not present in population databases (gnomAD no frequency). This variant has not been reported in the literature in individuals affected with RORB-related conditions. An algorithm developed to predict the effect of missense changes on protein structure and function (PolyPhen-2) suggests that this variant is likely to be disruptive. In summary, the available evidence is currently insufficient to determine the role of this variant in disease. Therefore, it has been classified as a Variant of Uncertain Significance.